The following is an entry in ClinVar:

NM_001297595.2(SIN3B):c.583-3C>G

Gene: SIN3B (SIN3 transcription regulator family member B; plus strand). Cytogenetic location: 19p13.11.
Variant type: single nucleotide variant.
Coding change: c.583-3C>G on transcript NM_001297595.2 (MANE Select); 3 bases into the intron before coding-DNA position 583, C replaced by G.
Molecular consequence: intron variant.
Genome position (GRCh38, 1-based): chr19:16,846,967, C>G. VCF-style: chr19-16846967-C-G. GRCh37 (hg19) VCF-style: chr19-16957778-C-G.
Other names: c.583-3C>G (NM_015260.4).
Identifiers: ClinVar variation 3373432 (VCV003373432.1).

ClinVar aggregate classification (germline): Uncertain significance (1 of 4 stars; one submission).

Submission:

GeneDx
Classification: Uncertain significance. Last evaluated: 2024-03-01. Review status: criteria provided, single submitter. Criteria: GeneDx Variant Classification Process June 2021. Collection method: clinical testing. Allele origin: germline. Affected: yes.
Comment: Not observed at significant frequency in large population cohorts (gnomAD); In silico analysis supports a deleterious effect on splicing; Has not been previously published as pathogenic or benign to our knowledge